The following is an entry in ClinVar:

NM_014994.3(MAPKBP1):c.4334G>A (p.Ser1445Asn)

Gene: MAPKBP1 (mitogen-activated protein kinase binding protein 1; plus strand). Cytogenetic location: 15q15.1.
Variant type: single nucleotide variant.
Coding change: c.4334G>A on transcript NM_014994.3 (MANE Select); coding-DNA position 4334, G replaced by A.
Protein change: p.Ser1445Asn; replaces serine 1445 with asparagine.
Molecular consequence: missense variant. On other transcripts: non-coding transcript variant (2).
Genome position (GRCh38, 1-based): chr15:41,825,243, G>A. VCF-style: chr15-41825243-G-A. GRCh37 (hg19) VCF-style: chr15-42117441-G-A.
Other names: c.4352G>A, p.Ser1451Asn (NM_001128608.2); c.3503G>A, p.Ser1168Asn (NM_001265611.2); short protein forms S1168N, S1445N, S1451N.
Identifiers: ClinVar variation 1489377 (VCV001489377.6), dbSNP rs1162633502, ClinGen allele CA391880274.
Genomic context (GRCh38, chr15:41,825,243, plus strand): 5'-CCTCACTTCTGGGGGTGCTATTTCAGGTGGCTGGCTGCAAGATGCCCTCAGCAGAGCAAA[G>A]TCGGATTGCCCAGCTCCTCAGAGACACCTTCTCTTCAGTGCGACAGGAGCTGGAAGCTGT-3'
Protein context (NP_055809.2, residues 1435-1455): AGCKMPSAEQ[Ser1445Asn]RIAQLLRDTF

ClinVar aggregate classification (germline): Uncertain significance (1 of 4 stars; one submission).

Allele frequency attached by ClinVar (database versions not stated): gnomAD exomes below 0.00001 and 0.00001; TOPMed below 0.00001.
gnomAD v4.1: 18 of 1,600,752 alleles (0.0011%); highest among the groups gnomAD compares: Non-Finnish European, 0.0015%; no homozygotes.

Submission:

Labcorp Genetics (formerly Invitae), Labcorp
Classification: Uncertain significance. Last evaluated: 2021-11-16. Review status: criteria provided, single submitter. Criteria: Invitae Variant Classification Sherloc (09022015). Collection method: clinical testing. Allele origin: germline.
Comment: In summary, the available evidence is currently insufficient to determine the role of this variant in disease. Therefore, it has been classified as a Variant of Uncertain Significance. Algorithms developed to predict the effect of missense changes on protein structure and function (SIFT, PolyPhen-2, Align-GVGD) all suggest that this variant is likely to be tolerated. This variant has not been reported in the literature in individuals affected with MAPKBP1-related conditions. The frequency data for this variant in the population databases is considered unreliable, as metrics indicate poor data quality at this position in the gnomAD database. This sequence change replaces serine, which is neutral and polar, with asparagine, which is neutral and polar, at codon 1451 of the MAPKBP1 protein (p.Ser1451Asn).